The following is an entry in ClinVar:

NM_001004334.4(GPR179):c.2983T>C (p.Trp995Arg)

Gene: GPR179 (G protein-coupled receptor 179; minus strand). Cytogenetic location: 17q12.
Variant type: single nucleotide variant.
Coding change: c.2983T>C on transcript NM_001004334.4 (MANE Select); coding-DNA position 2983, T replaced by C.
Protein change: p.Trp995Arg; replaces tryptophan 995 with arginine.
Molecular consequence: missense variant.
Genome position (GRCh38, 1-based): chr17:38,330,586, A>G on the plus strand (T>C on the coding strand, the complement: GPR179 is on the minus strand). VCF-style: chr17-38330586-A-G. GRCh37 (hg19) VCF-style: chr17-36486469-A-G.
Other names: c.2983T>C (NM_001004334.2); short protein forms W995R.
Identifiers: ClinVar variation 1462710 (VCV001462710.9), dbSNP rs1269818001, ClinGen allele CA398880957.
Genomic context (GRCh38, chr17:38,330,586, plus strand): 5'-GCCCTGAGGGGCCTTCCTGGGGCACATTTTCTTGCTTGGCTGGCAGTTCTGCGTTCTCCC[A>G]GGGGCAGATGTAGGTGAGTAAGTTGGGGCTTTGTGGGGATACTGGGACTGGTGCCAGGGC-3'
Protein context (NP_001004334.3, residues 985-1005): SPNLLTYICP[Trp995Arg]ENAELPAKQE

ClinVar aggregate classification (germline): Uncertain significance. Review status: criteria provided, multiple submitters, no conflicts (2 of 4 stars). 2 submissions from 2 submitters: Uncertain significance (2). Last evaluated 2025-08-30.

Conditions:
Inborn genetic diseases. Identifiers: MedGen C0950123, MeSH D030342.

Allele frequency attached by ClinVar (database versions not stated): gnomAD exomes below 0.00001.

Submissions (2):

Ambry Genetics
Classification: Uncertain significance for Inborn genetic diseases. Last evaluated: 2025-08-30. Review status: criteria provided, single submitter. Criteria: Ambry Variant Classification Scheme 2023. Collection method: clinical testing. Allele origin: germline.

Labcorp Genetics (formerly Invitae), Labcorp
Classification: Uncertain significance. Last evaluated: 2021-04-16. Review status: criteria provided, single submitter. Criteria: Invitae Variant Classification Sherloc (09022015). Collection method: clinical testing. Allele origin: germline.
Comment: In summary, the available evidence is currently insufficient to determine the role of this variant in disease. Therefore, it has been classified as a Variant of Uncertain Significance. Algorithms developed to predict the effect of missense changes on protein structure and function are either unavailable or do not agree on the potential impact of this missense change (SIFT: "Deleterious"; PolyPhen-2: "Probably Damaging"; Align-GVGD: "Class C0"). This variant has not been reported in the literature in individuals with GPR179-related conditions. This variant is not present in population databases (ExAC no frequency). This sequence change replaces tryptophan with arginine at codon 995 of the GPR179 protein (p.Trp995Arg). The tryptophan residue is moderately conserved and there is a moderate physicochemical difference between tryptophan and arginine.